The following is an entry in ClinVar:

ClinVar aggregate classification (germline): Uncertain significance (1 of 4 stars; one submission).

Conditions:
Warburg micro syndrome 2 (WARBM2). Also called: MICRO SYNDROME 2. Identifiers: Orphanet 2510, MedGen C3280214, MONDO:0013641, OMIM 614225.
Martsolf syndrome (MARTS). Also called: Congenital cataract with intellectual disability and hypogonadotropic hypogonadism syndrome. Identifiers: Orphanet 1387, MedGen C0796037, MONDO:0023910.

Submission:

Labcorp Genetics (formerly Invitae), Labcorp
Classification: Uncertain significance for Martsolf syndrome; Warburg micro syndrome 2. Last evaluated: 2024-02-05. Review status: criteria provided, single submitter. Criteria: Invitae Variant Classification Sherloc (09022015). Collection method: clinical testing. Allele origin: germline.
Comment: This sequence change replaces alanine, which is neutral and non-polar, with proline, which is neutral and non-polar, at codon 51 of the RAB3GAP2 protein (p.Ala51Pro). This variant is not present in population databases (gnomAD no frequency). This variant has not been reported in the literature in individuals affected with RAB3GAP2-related conditions. ClinVar contains an entry for this variant (Variation ID: 2171436). An algorithm developed to predict the effect of missense changes on protein structure and function (PolyPhen-2) suggests that this variant is likely to be tolerated. In summary, the available evidence is currently insufficient to determine the role of this variant in disease. Therefore, it has been classified as a Variant of Uncertain Significance.

NM_012414.4(RAB3GAP2):c.151G>C (p.Ala51Pro)

Gene: RAB3GAP2 (RAB3 GTPase activating non-catalytic protein subunit 2; minus strand). Cytogenetic location: 1q41.
Variant type: single nucleotide variant.
Coding change: c.151G>C on transcript NM_012414.4 (MANE Select); coding-DNA position 151, G replaced by C.
Protein change: p.Ala51Pro; replaces alanine 51 with proline.
Molecular consequence: missense variant.
Genome position (GRCh38, 1-based): chr1:220,232,828, C>G on the plus strand (G>C on the coding strand, the complement: RAB3GAP2 is on the minus strand). VCF-style: chr1-220232828-C-G. GRCh37 (hg19) VCF-style: chr1-220406170-C-G.
Other names: short protein forms A51P.
Identifiers: ClinVar variation 2171436 (VCV002171436.4), dbSNP rs113795354, ClinGen allele CA344731783.